The following is an entry in ClinVar:

ClinVar aggregate classification (germline): Benign/Likely benign. Review status: criteria provided, multiple submitters, no conflicts (2 of 4 stars). 4 submissions from 4 submitters: Benign (2); Likely benign (2). Last evaluated 2026-06-29.

Conditions:
INTU-related disorder. Also called: INTU-related condition.
Orofaciodigital syndrome 17. Also called: OROFACIODIGITAL SYNDROME XVII; OFDS XVII; ORAL-FACIAL-DIGITAL SYNDROME, TYPE XVII. Identifiers: MedGen C4693640, MONDO:0033375, OMIM 617926.
Short-rib thoracic dysplasia 20 with polydactyly. Identifiers: MedGen C4693616, MONDO:0044328, OMIM 617925.

Allele frequency attached by ClinVar (database versions not stated): ESP Exome Variant Server 0.00877; 1000 Genomes Project 30x 0.01202; TOPMed 0.01215; 1000 Genomes Project 0.01218.
gnomAD v4.1: 3,015 of 1,565,206 alleles (0.19%); highest among the groups gnomAD compares: African/African-American, 3.6%; 53 homozygotes.

Submissions (9):

PreventionGenetics, part of Exact Sciences
Classification: Likely benign for INTU-related condition. Last evaluated: 2026-06-29. Review status: criteria provided, single submitter. Criteria: ACMG Guidelines, 2015. Collection method: clinical testing. Allele origin: germline.
Comment: This variant is classified as likely benign based on ACMG/AMP sequence variant interpretation guidelines (Richards et al. 2015 PMID: 25741868, with internal and published modifications).

Labcorp Genetics (formerly Invitae), Labcorp
Classification: Benign. Last evaluated: 2026-02-01. Review status: criteria provided, single submitter. Criteria: Invitae Variant Classification Sherloc (09022015). Collection method: clinical testing. Allele origin: germline.

Fulgent Genetics
Classification: Likely benign for Short-rib thoracic dysplasia 20 with polydactyly; Orofaciodigital syndrome 17. Last evaluated: 2022-02-15. Review status: criteria provided, single submitter. Criteria: ACMG Guidelines, 2015. Collection method: clinical testing. Allele origin: unknown.

Breakthrough Genomics
Classification: Benign. Review status: criteria provided, single submitter. Criteria: ACMG Guidelines, 2015. Collection method: not provided. Allele origin: germline. Inheritance: Autosomal recessive inheritance. Affected: yes.

Dr. Peter K. Rogan Lab, Western University
No classification provided (evidence only). Condition: Acute myeloid leukemia. Review status: no classification provided. Collection method: in vitro. Allele origin: not applicable. Functional consequence: retained intron. Not counted in ClinVar's aggregate classification.

Dr. Peter K. Rogan Lab, Western University
No classification provided (evidence only). Condition: Uterine corpus endometrial carcinoma. Review status: no classification provided. Collection method: in vitro. Allele origin: not applicable. Functional consequence: skipped exon, retained intron. Not counted in ClinVar's aggregate classification.

Dr. Peter K. Rogan Lab, Western University
No classification provided (evidence only). Condition: Uterine corpus endometrial carcinoma. Review status: no classification provided. Collection method: in vitro. Allele origin: not applicable. Functional consequence: skipped exon. Not counted in ClinVar's aggregate classification.

Dr. Peter K. Rogan Lab, Western University
No classification provided (evidence only). Condition: Uterine corpus endometrial carcinoma. Review status: no classification provided. Collection method: in vitro. Allele origin: not applicable. Functional consequence: skipped exon. Not counted in ClinVar's aggregate classification.

Dr. Peter K. Rogan Lab, Western University
No classification provided (evidence only). Condition: Gastric cancer. Review status: no classification provided. Collection method: in vitro. Allele origin: not applicable. Functional consequence: retained intron. Not counted in ClinVar's aggregate classification.

NM_015693.4(INTU):c.1450-9T>G

Gene: INTU (inturned planar cell polarity protein; plus strand). Cytogenetic location: 4q28.1.
Variant type: single nucleotide variant.
Coding change: c.1450-9T>G on transcript NM_015693.4 (MANE Select); 9 bases into the intron before coding-DNA position 1450, T replaced by G.
Molecular consequence: intron variant.
Genome position (GRCh38, 1-based): chr4:127,700,001, T>G. VCF-style: chr4-127700001-T-G. GRCh37 (hg19) VCF-style: chr4-128621156-T-G.
Identifiers: ClinVar variation 780934 (VCV000780934.12), dbSNP rs73847044, ClinGen allele CA3075088.